The following is an entry in ClinVar:

ClinVar aggregate classification (germline): Benign (1 of 4 stars; one submission).

Allele frequency attached by ClinVar (database versions not stated): gnomAD 0.03529 and 0.03788; TOPMed 0.04028; 1000 Genomes Project 0.04093; 1000 Genomes Project 30x 0.04388.
gnomAD v4.1: 5,327 of 152,240 alleles (3.5%); highest among the groups gnomAD compares: African/African-American, 12%; 342 homozygotes.

Submission:

GeneDx
Classification: Benign. Last evaluated: 2018-06-14. Review status: criteria provided, single submitter. Criteria: GeneDx Variant Classification (06012015). Collection method: clinical testing. Allele origin: germline. Affected: yes.
Comment: This variant is considered likely benign or benign based on one or more of the following criteria: it is a conservative change, it occurs at a poorly conserved position in the protein, it is predicted to be benign by multiple in silico algorithms, and/or has population frequency not consistent with disease.

NM_020774.4(MIB1):c.230-203G>C

Gene: MIB1 (MIB E3 ubiquitin protein ligase 1; plus strand). Cytogenetic location: 18q11.2.
Variant type: single nucleotide variant.
Coding change: c.230-203G>C on transcript NM_020774.4 (MANE Select); 203 bases into the intron before coding-DNA position 230, G replaced by C.
Molecular consequence: intron variant.
Genome position (GRCh38, 1-based): chr18:21,765,569, G>C. VCF-style: chr18-21765569-G-C. GRCh37 (hg19) VCF-style: chr18-19345530-G-C.
Identifiers: ClinVar variation 679092 (VCV000679092.1), dbSNP rs1941972, ClinGen allele CA297018473.